The following is an entry in ClinVar:

ClinVar aggregate classification (germline): Uncertain significance (1 of 4 stars; one submission).

Submission:

Labcorp Genetics (formerly Invitae), Labcorp
Classification: Uncertain significance. Last evaluated: 2026-01-17. Review status: criteria provided, single submitter. Criteria: Invitae Variant Classification Sherloc (09022015). Collection method: clinical testing. Allele origin: germline.
Comment: This sequence change replaces arginine, which is basic and polar, with serine, which is neutral and polar, at codon 662 of the ANKRD26 protein (p.Arg662Ser). The frequency data for this variant in the population databases is considered unreliable, as metrics indicate poor data quality at this position in the gnomAD database. This variant has not been reported in the literature in individuals affected with ANKRD26-related conditions. An algorithm developed to predict the effect of missense changes on protein structure and function (PolyPhen-2) suggests that this variant is likely to be tolerated. Algorithms developed to predict the effect of sequence changes on RNA splicing suggest that this variant may disrupt the consensus splice site. In summary, the available evidence is currently insufficient to determine the role of this variant in disease. Therefore, it has been classified as a Variant of Uncertain Significance.

NM_014915.3(ANKRD26):c.1986G>C (p.Arg662Ser)

Gene: ANKRD26 (ankyrin repeat domain 26; minus strand). Cytogenetic location: 10p12.1.
Variant type: single nucleotide variant.
Coding change: c.1986G>C on transcript NM_014915.3 (MANE Select); coding-DNA position 1986, G replaced by C.
Protein change: p.Arg662Ser; replaces arginine 662 with serine.
Molecular consequence: missense variant.
Genome position (GRCh38, 1-based): chr10:27,044,190, C>G on the plus strand (G>C on the coding strand, the complement: ANKRD26 is on the minus strand). VCF-style: chr10-27044190-C-G. GRCh37 (hg19) VCF-style: chr10-27333119-C-G.
Other names: c.1983G>C, p.Arg661Ser (NM_001256053.2); short protein forms R661S, R662S.
Identifiers: ClinVar variation 4755304 (VCV004755304.1).
Genomic context (GRCh38, chr10:27,044,190, plus strand): 5'-ATTTTGATAATTTATTTTTTACAGTACCTTGTTCTTTTCATTAGATGTTTTCTTAGTAGG[C>G]CTAAAAAAAAAAAATACCTTTCAGGCAAATAGTAAACATGTAAAATGCAAGGAATATCTA-3'
Protein context (NP_055730.2, residues 652-672): SLSEIDEDEG[Arg662Ser]PTKKTSNEKN